The following is an entry in ClinVar:

NM_001261826.3(AP3D1):c.2543A>G (p.Glu848Gly)

Gene: AP3D1 (adaptor related protein complex 3 subunit delta 1; minus strand). Cytogenetic location: 19p13.3.
Variant type: single nucleotide variant.
Coding change: c.2543A>G on transcript NM_001261826.3 (MANE Select); coding-DNA position 2543, A replaced by G.
Protein change: p.Glu848Gly; replaces glutamic acid 848 with glycine.
Molecular consequence: missense variant.
Genome position (GRCh38, 1-based): chr19:2,114,183, T>C on the plus strand (A>G on the coding strand, the complement: AP3D1 is on the minus strand). VCF-style: chr19-2114183-T-C. GRCh37 (hg19) VCF-style: chr19-2114182-T-C.
Other names: c.2543A>G, p.Glu848Gly (NM_001374799.1, NM_003938.8); c.2543A>G (NM_003938.5); short protein forms E848G.
Identifiers: ClinVar variation 2976976 (VCV002976976.4), dbSNP rs777832217, ClinGen allele CA9058821.

ClinVar aggregate classification (germline): Uncertain significance. Review status: criteria provided, multiple submitters, no conflicts (2 of 4 stars). 2 submissions from 2 submitters: Uncertain significance (2). Last evaluated 2024-05-29.

Conditions:
Inborn genetic diseases. Identifiers: MedGen C0950123, MeSH D030342.

Allele frequency attached by ClinVar (database versions not stated): gnomAD 0.00002; gnomAD exomes 0.00003; ExAC 0.00011.
gnomAD v4.1: 46 of 1,601,548 alleles (0.0029%); highest among the groups gnomAD compares: South Asian, 0.05%; no homozygotes.

Submissions (2):

Labcorp Genetics (formerly Invitae), Labcorp
Classification: Uncertain significance. Last evaluated: 2024-05-29. Review status: criteria provided, single submitter. Criteria: Invitae Variant Classification Sherloc (09022015). Collection method: clinical testing. Allele origin: germline.
Comment: This sequence change replaces glutamic acid, which is acidic and polar, with glycine, which is neutral and non-polar, at codon 848 of the AP3D1 protein (p.Glu848Gly). This variant is present in population databases (rs777832217, gnomAD 0.06%). This variant has not been reported in the literature in individuals affected with AP3D1-related conditions. An algorithm developed to predict the effect of missense changes on protein structure and function (PolyPhen-2) suggests that this variant is likely to be tolerated. In summary, the available evidence is currently insufficient to determine the role of this variant in disease. Therefore, it has been classified as a Variant of Uncertain Significance.

Ambry Genetics
Classification: Uncertain significance for Inborn genetic diseases. Last evaluated: 2023-09-23. Review status: criteria provided, single submitter. Criteria: Ambry Variant Classification Scheme 2023. Collection method: clinical testing. Allele origin: germline.